The following is an entry in ClinVar:

NM_001042492.3(NF1):c.5503C>T (p.Gln1835Ter)

Gene: NF1 (neurofibromin 1; plus strand). Cytogenetic location: 17q11.2.
Variant type: single nucleotide variant.
Coding change: c.5503C>T on transcript NM_001042492.3 (MANE Select); coding-DNA position 5503, C replaced by T.
Protein change: p.Gln1835Ter; replaces glutamine 1835 with a stop codon.
Molecular consequence: nonsense.
Genome position (GRCh38, 1-based): chr17:31,327,733, C>T. VCF-style: chr17-31327733-C-T. GRCh37 (hg19) VCF-style: chr17-29654751-C-T.
Other names: c.5440C>T, p.Gln1814Ter (NM_000267.4); short protein forms Q1814*, Q1835*.
Identifiers: ClinVar variation 852381 (VCV000852381.19), dbSNP rs786202177, ClinGen allele CA399009631.
Genomic context (GRCh38, chr17:31,327,733, plus strand): 5'-CAGGAGTGTGAAGCCATTGTCCAGTCTATCATTCATATCCGGACCCGCTGGGAACTGTCA[C>T]AGCCCGACTCTATCCCCCAACACACCAAGATTCGGCCAAAAGATGTCCCTGGGACACTGC-3'

ClinVar aggregate classification (germline): Pathogenic/Likely pathogenic. Review status: criteria provided, multiple submitters, no conflicts (2 of 4 stars). 9 submissions from 9 submitters: Pathogenic (6); Likely pathogenic (1). 2 of the submissions do not count toward it. Last evaluated 2026-09-06.

Conditions:
NF1-related disorder. Also called: NF1-related condition. Identifiers: MedGen CN379171.
Juvenile myelomonocytic leukemia (JMML). Also called: LEUKEMIA, JUVENILE MYELOMONOCYTIC, SOMATIC. Identifiers: Orphanet 86834, MedGen C0349639, MONDO:0011908, OMIM 607785, HP:0012209.
Neurofibromatosis, type 1 (NF1). Also called: Peripheral type neurofibromatosis; VON RECKLINGHAUSEN DISEASE; Neurofibromatosis, type I; NEUROFIBROMATOSIS, TYPE I, SOMATIC. Identifiers: Orphanet 636, MedGen C0027831, MONDO:0018975, OMIM 162200. Disease mechanism: loss of function.

Submissions (9):

GeneDx
Classification: Pathogenic. Last evaluated: 2026-09-06. Review status: criteria provided, single submitter. Criteria: GeneDx Variant Classification Process June 2021. Collection method: clinical testing. Allele origin: germline.
Comment: Nonsense variant predicted to result in protein truncation or nonsense mediated decay in a gene for which loss of function is a known mechanism of disease; Not observed in large population cohorts (gnomAD); This variant is associated with the following publications: (PMID: 34418705, 30556322, 38324470, 23913538)

Labcorp Genetics (formerly Invitae), Labcorp
Classification: Pathogenic for Neurofibromatosis, type 1. Last evaluated: 2025-12-20. Review status: criteria provided, single submitter. Criteria: Invitae Variant Classification Sherloc (09022015). Collection method: clinical testing. Allele origin: germline.
Comment: This sequence change creates a premature translational stop signal (p.Gln1814*) in the NF1 gene. It is expected to result in an absent or disrupted protein product. Loss-of-function variants in NF1 are known to be pathogenic (PMID: 10712197, 23913538). This variant is not present in population databases (gnomAD no frequency). This premature translational stop signal has been observed in individual(s) with clinical features of neurofibromatosis type 1 (PMID: 23913538). Invitae Evidence Modeling of clinical and family history, age, sex, and reported ancestry of multiple individuals with this NF1 variant has been performed. This variant is expected to be pathogenic with a positive predictive value of at least 99%. This is a validated machine learning model that incorporates the clinical features of 1,785,918 individuals referred to our laboratory for NF1 testing. ClinVar contains an entry for this variant (Variation ID: 852381). For these reasons, this variant has been classified as Pathogenic.

Baylor Genetics
Classification: Pathogenic for Juvenile myelomonocytic leukemia. Last evaluated: 2023-03-31. Review status: criteria provided, single submitter. Criteria: ACMG Guidelines, 2015. Collection method: clinical testing. Allele origin: unknown.

Genome-Nilou Lab
Classification: Pathogenic for Neurofibromatosis, type 1. Last evaluated: 2022-03-15. Review status: criteria provided, single submitter. Criteria: ACMG Guidelines, 2015. Collection method: clinical testing. Allele origin: germline. Affected: no.

Institute of Medical Genetics and Applied Genomics, University Hospital Tübingen
Classification: Pathogenic. Last evaluated: 2021-02-01. Review status: criteria provided, single submitter. Criteria: ACMG Guidelines, 2015. Collection method: clinical testing. Allele origin: germline. Inheritance: Autosomal dominant inheritance. Affected: yes.

Genome Diagnostics Laboratory, The Hospital for Sick Children
Classification: Pathogenic for Neurofibromatosis, type 1. Last evaluated: 2020-10-26. Review status: criteria provided, single submitter. Criteria: ACMG Guidelines, 2015. Collection method: clinical testing. Allele origin: germline. Affected: yes.

Blueprint Genetics
Classification: Likely pathogenic for NF1-related disorders. Last evaluated: 2020-09-04. Review status: criteria provided, single submitter. Criteria: ACMG Guidelines, 2015. Collection method: clinical testing. Allele origin: germline. Affected: yes. Observed: 1 variant allele.

Clinical Genetics DNA and cytogenetics Diagnostics Lab, Erasmus MC, Erasmus Medical Center
Classification: Pathogenic. Review status: no assertion criteria provided. Collection method: clinical testing. Allele origin: germline. Affected: yes. Study: VKGL Data-share Consensus. Not counted in ClinVar's aggregate classification.

Joint Genome Diagnostic Labs from Nijmegen and Maastricht, Radboudumc and MUMC+
Classification: Pathogenic. Review status: no assertion criteria provided. Collection method: clinical testing. Allele origin: germline. Affected: yes. Study: VKGL Data-share Consensus. Not counted in ClinVar's aggregate classification.

Literature cited by the submitters: PubMed 10712197 (cited by Labcorp Genetics (formerly Invitae), Labcorp); PubMed 23913538 (cited by Labcorp Genetics (formerly Invitae), Labcorp).